The following is an entry in ClinVar:

NM_002439.5(MSH3):c.720GCA[1] (p.Gln241_Gln242del)

Gene: MSH3 (mutS homolog 3; plus strand). Cytogenetic location: 5q14.1.
Variant type: Microsatellite.
Coding change: c.720GCA[1] on transcript NM_002439.5 (MANE Select); one copy of the 3-base unit GCA starting at c.720; the reference has three copies in a row; two copies, 6 bases deleted; also written c.723_728del.
Protein change: p.Gln241_Gln242del.
Molecular consequence: inframe deletion.
Genome position (GRCh38, 1-based): chr5:80,670,240-80,670,245, GCAGCA deleted; deleting any 6 consecutive bases within chr5:80,670,236-80,670,245 gives the same sequence; the position shown is the placement nearest the transcript's 3' end. VCF-style (leftmost placement, unchanged base first): chr5-80670235-AAGCAGC-A. GRCh37 (hg19) VCF-style: chr5-79966054-AAGCAGC-A.
Other names: c.723_728del (NM_002439.5).
Identifiers: ClinVar variation 967727 (VCV000967727.9), dbSNP rs1749674565, ClinGen allele CA1558482671.
Genomic context (GRCh38, chr5:80,670,235, plus strand): 5'-TCAGCTAACAAACGGTCCAAAAGCATCTATACGCCGCTAGAATTACAATACATAGAAATG[AAGCAGC>A]AGCACAAAGATGCAGTTTTGTGTGTGGAATGTGGATATAAGTATAGATTCTTTGGGGAAG-3'

ClinVar aggregate classification (germline): Uncertain significance. Review status: criteria provided, multiple submitters, no conflicts (2 of 4 stars). 3 submissions from 3 submitters: Uncertain significance (3). Last evaluated 2024-01-31.

Conditions:
Hereditary cancer-predisposing syndrome. Also called: Hereditary neoplastic syndrome; Neoplastic Syndromes, Hereditary; Hereditary Cancer Syndrome; Tumor predisposition. Identifiers: Orphanet 140162, MedGen C0027672, MeSH D009386, MONDO:0015356.
Endometrial carcinoma. Also called: Endometrial carcinoma, somatic. Identifiers: MedGen C0476089, MONDO:0002447, OMIM 608089, HP:0012114.

Submissions (3):

Ambry Genetics
Classification: Uncertain significance for Hereditary cancer-predisposing syndrome. Last evaluated: 2024-01-31. Review status: criteria provided, single submitter. Criteria: Ambry Variant Classification Scheme 2023. Collection method: clinical testing. Allele origin: germline.
Comment: The c.723_728delGCAGCA variant (also known as p.Q241_Q242del) is located in coding exon 4 of the MSH3 gene. This variant results from an in-frame GCAGCA deletion at nucleotide positions 723 to 728. This results in the in-frame deletion of two glutamine residues at codons 241 and 242. These amino acid positions are not well conserved in available vertebrate species. In addition, this alteration is predicted to be deleterious by in silico analysis (Choi Y et al. PLoS ONE. 2012; 7(10):e46688). Based on the available evidence, the clinical significance of this alteration remains unclear.

Baylor Genetics
Classification: Uncertain significance for Endometrial carcinoma. Last evaluated: 2023-11-21. Review status: criteria provided, single submitter. Criteria: ACMG Guidelines, 2015. Collection method: clinical testing. Allele origin: unknown.

Labcorp Genetics (formerly Invitae), Labcorp
Classification: Uncertain significance. Last evaluated: 2021-08-26. Review status: criteria provided, single submitter. Criteria: Invitae Variant Classification Sherloc (09022015). Collection method: clinical testing. Allele origin: germline.
Comment: This variant, c.723_728del, results in the deletion of 2 amino acid(s) of the MSH3 protein (p.Gln241_Gln242del), but otherwise preserves the integrity of the reading frame. This variant is not present in population databases (ExAC no frequency). This variant has not been reported in the literature in individuals affected with MSH3-related conditions. Experimental studies and prediction algorithms are not available or were not evaluated, and the functional significance of this variant is currently unknown. In summary, the available evidence is currently insufficient to determine the role of this variant in disease. Therefore, it has been classified as a Variant of Uncertain Significance.